The following is an entry in ClinVar:

NM_000303.3(PMM2):c.735C>G (p.Phe245Leu)

Gene: PMM2 (phosphomannomutase 2; plus strand). Cytogenetic location: 16p13.2.
Variant type: single nucleotide variant.
Coding change: c.735C>G on transcript NM_000303.3 (MANE Select); coding-DNA position 735, C replaced by G.
Protein change: p.Phe245Leu; replaces phenylalanine 245 with leucine.
Molecular consequence: missense variant.
Genome position (GRCh38, 1-based): chr16:8,847,819, C>G. VCF-style: chr16-8847819-C-G. GRCh37 (hg19) VCF-style: chr16-8941676-C-G.
Other names: short protein forms F245L.
Identifiers: ClinVar variation 1918892 (VCV001918892.5), dbSNP rs1459622039, ClinGen allele CA394689717.

ClinVar aggregate classification (germline): Uncertain significance (1 of 4 stars; one submission).

Conditions:
PMM2-congenital disorder of glycosylation. Also called: CDG Ia; Congenital disorder of glycosylation, type Ia; CARBOHYDRATE-DEFICIENT GLYCOPROTEIN SYNDROME, TYPE Ia; JAEKEN SYNDROME; PMM2-CDG; PHOSPHOMANNOMUTASE 2 DEFICIENCY. Identifiers: Orphanet 79318, MedGen C0349653, MONDO:0008907, OMIM 212065.

Allele frequency attached by ClinVar (database versions not stated): gnomAD exomes below 0.00001; TOPMed below 0.00001; gnomAD 0.00001.
gnomAD v4.1: 5 of 1,611,728 alleles (0.00031%); highest among the groups gnomAD compares: Non-Finnish European, 0.00034%; no homozygotes.

Submission:

Labcorp Genetics (formerly Invitae), Labcorp
Classification: Uncertain significance for PMM2-congenital disorder of glycosylation. Last evaluated: 2022-07-21. Review status: criteria provided, single submitter. Criteria: Invitae Variant Classification Sherloc (09022015). Collection method: clinical testing. Allele origin: germline.
Comment: In summary, the available evidence is currently insufficient to determine the role of this variant in disease. Therefore, it has been classified as a Variant of Uncertain Significance. Algorithms developed to predict the effect of missense changes on protein structure and function are either unavailable or do not agree on the potential impact of this missense change (SIFT: "Tolerated"; PolyPhen-2: "Probably Damaging"; Align-GVGD: "Class C0"). This variant has not been reported in the literature in individuals affected with PMM2-related conditions. This variant is present in population databases (no rsID available, gnomAD 0.0009%). This sequence change replaces phenylalanine, which is neutral and non-polar, with leucine, which is neutral and non-polar, at codon 245 of the PMM2 protein (p.Phe245Leu).